The following is an entry in ClinVar:

Conditions:
Arteriohepatic dysplasia. Also called: Alagille Syndrome. Identifiers: Orphanet 52, MedGen C0085280, MeSH D016738, MONDO:0007318.

Submission:

Gilbert/Spinner Lab, Children's Hospital of Philadelphia
No classification provided (evidence only). Condition: Alagille syndrome. Review status: no classification provided. Collection method: research. Allele origin: not applicable. Functional consequence: functionally_abnormal.
ClinVar note: "not provided" was previously submitted as the classification for the variant. However, the classification appeared to be based only on an observation of functional data so it was converted to no classification on 2025-07-30.

NM_000214.3(JAG1):c.401T>C (p.Leu134Ser)

Gene: JAG1 (jagged canonical Notch ligand 1; minus strand). Cytogenetic location: 20p12.2.
Variant type: single nucleotide variant.
Coding change: c.401T>C on transcript NM_000214.3 (MANE Select); coding-DNA position 401, T replaced by C.
Protein change: p.Leu134Ser; replaces leucine 134 with serine.
Molecular consequence: missense variant.
Genome position (GRCh38, 1-based): chr20:10,664,001, A>G on the plus strand (T>C on the coding strand, the complement: JAG1 is on the minus strand). VCF-style: chr20-10664001-A-G. GRCh37 (hg19) VCF-style: chr20-10644649-A-G.
Other names: short protein forms L134S.
Identifiers: ClinVar variation 3573458 (VCV003573458.2).
Genomic context (GRCh38, chr20:10,664,001, plus strand): 5'-AGTCCACAGAAGCGATACTTACGAACGGTGTCATTACTGGAATCCCACGCCTCCACAAGC[A>G]ACGTATAGGACCTCTGCAAGACAAACAAACAATTTAGCAATTCAGAAACAGGGTCGACTT-3'
Protein context (NP_000205.1, residues 124-144): FSFAWPRSYT[Leu134Ser]LVEAWDSSND